The following is an entry in ClinVar:

ClinVar aggregate classification (germline): Uncertain significance. Review status: criteria provided, multiple submitters, no conflicts (2 of 4 stars). 3 submissions from 3 submitters: Uncertain significance (3). Last evaluated 2024-03-19.

Conditions:
Colorectal cancer. Also called: Colorectal cancer, somatic; Malignant Colorectal Neoplasm. Identifiers: MedGen C0346629, MONDO:0005575, OMIM 114500.
Hereditary cancer-predisposing syndrome. Also called: Neoplastic Syndromes, Hereditary; Hereditary Cancer Syndrome; Tumor predisposition; Hereditary neoplastic syndrome. Identifiers: Orphanet 140162, MedGen C0027672, MeSH D009386, MONDO:0015356.
Oligodontia-cancer predisposition syndrome. Also called: TOOTH AGENESIS-COLORECTAL CANCER SYNDROME. Identifiers: Orphanet 300576, MedGen C1837750, MONDO:0012075, OMIM 608615. Disease mechanism: loss of function.

Submissions (3):

Baylor Genetics
Classification: Uncertain significance for Colorectal cancer. Last evaluated: 2024-03-19. Review status: criteria provided, single submitter. Criteria: ACMG Guidelines, 2015. Collection method: clinical testing. Allele origin: unknown.

Ambry Genetics
Classification: Uncertain significance for Hereditary cancer-predisposing syndrome. Last evaluated: 2023-03-20. Review status: criteria provided, single submitter. Criteria: Ambry Variant Classification Scheme 2023. Collection method: clinical testing. Allele origin: germline.
Comment: The p.P600L variant (also known as c.1799C>T), located in coding exon 6 of the AXIN2 gene, results from a C to T substitution at nucleotide position 1799. The proline at codon 600 is replaced by leucine, an amino acid with similar properties. This amino acid position is conserved. In addition, this alteration is predicted to be tolerated by in silico analysis. Since supporting evidence is limited at this time, the clinical significance of this alteration remains unclear.

Labcorp Genetics (formerly Invitae), Labcorp
Classification: Uncertain significance for Oligodontia-cancer predisposition syndrome. Last evaluated: 2021-12-31. Review status: criteria provided, single submitter. Criteria: Invitae Variant Classification Sherloc (09022015). Collection method: clinical testing. Allele origin: germline.
Comment: Algorithms developed to predict the effect of missense changes on protein structure and function are either unavailable or do not agree on the potential impact of this missense change (SIFT: "Deleterious"; PolyPhen-2: "Benign"; Align-GVGD: "Class C0"). In summary, the available evidence is currently insufficient to determine the role of this variant in disease. Therefore, it has been classified as a Variant of Uncertain Significance. This variant has not been reported in the literature in individuals affected with AXIN2-related conditions. This variant is not present in population databases (gnomAD no frequency). This sequence change replaces proline, which is neutral and non-polar, with leucine, which is neutral and non-polar, at codon 600 of the AXIN2 protein (p.Pro600Leu).

NM_004655.4(AXIN2):c.1799C>T (p.Pro600Leu)

Gene: AXIN2 (axin 2; minus strand). Cytogenetic location: 17q24.1.
Variant type: single nucleotide variant.
Coding change: c.1799C>T on transcript NM_004655.4 (MANE Select); coding-DNA position 1799, C replaced by T.
Protein change: p.Pro600Leu; replaces proline 600 with leucine.
Molecular consequence: missense variant. On other transcripts: intron variant (1).
Genome position (GRCh38, 1-based): chr17:65,536,977, G>A on the plus strand (C>T on the coding strand, the complement: AXIN2 is on the minus strand). VCF-style: chr17-65536977-G-A. GRCh37 (hg19) VCF-style: chr17-63533095-G-A.
Other names: c.1712+347C>T (NM_001363813.1); short protein forms P600L.
Identifiers: ClinVar variation 2067600 (VCV002067600.7), dbSNP rs2509407903, ClinGen allele CA400676595.
Genomic context (GRCh38, chr17:65,536,977, plus strand): 5'-CAGACATCCTGCGACCTGTCTCCTTCCTCCCGGGGAAGCTGCAGGGCCCCAGCTCCGCCG[G>A]GGGCCCCTCCTTCCCTGGCGGGCAGGGCCAGGCCCGGCTCCGTGCCTTTCCCATTGCGTT-3'
Protein context (NP_004646.3, residues 590-610): LALPAREGGA[Pro600Leu]GGAGALQLPR